The following is an entry in ClinVar:

NM_003200.5(TCF3):c.548C>T (p.Ser183Leu)

Gene: TCF3 (transcription factor 3; minus strand). Cytogenetic location: 19p13.3.
Variant type: single nucleotide variant.
Coding change: c.548C>T on transcript NM_003200.5 (MANE Select); coding-DNA position 548, C replaced by T.
Protein change: p.Ser183Leu; replaces serine 183 with leucine.
Molecular consequence: missense variant.
Genome position (GRCh38, 1-based): chr19:1,623,952, G>A on the plus strand (C>T on the coding strand, the complement: TCF3 is on the minus strand). VCF-style: chr19-1623952-G-A. GRCh37 (hg19) VCF-style: chr19-1623951-G-A.
Other names: c.548C>T, p.Ser183Leu (NM_001136139.4, NM_001351778.2, NM_001351779.2); c.548C>T (NM_003200.3); short protein forms S183L.
Identifiers: ClinVar variation 2142298 (VCV002142298.7), dbSNP rs374988827, ClinGen allele CA9050329.

ClinVar aggregate classification (germline): Uncertain significance. Review status: criteria provided, multiple submitters, no conflicts (2 of 4 stars). 3 submissions from 3 submitters: Uncertain significance (2). 1 of the submissions does not count toward it. Last evaluated 2025-12-03.

Conditions:
TCF3-related disorder. Also called: TCF3-related condition.
Inborn genetic diseases. Identifiers: MedGen C0950123, MeSH D030342.

Allele frequency attached by ClinVar (database versions not stated): gnomAD exomes 0.00005; ExAC 0.00006; gnomAD 0.00014; ESP Exome Variant Server 0.00015; 1000 Genomes Project 30x 0.00016; 1000 Genomes Project 0.00020; TOPMed 0.00020.
gnomAD v4.1: 109 of 1,613,466 alleles (0.0068%); highest among the groups gnomAD compares: African/African-American, 0.055%; no homozygotes.

Submissions (3):

Labcorp Genetics (formerly Invitae), Labcorp
Classification: Uncertain significance. Last evaluated: 2025-12-03. Review status: criteria provided, single submitter. Criteria: Invitae Variant Classification Sherloc (09022015). Collection method: clinical testing. Allele origin: germline.
Comment: This sequence change replaces serine, which is neutral and polar, with leucine, which is neutral and non-polar, at codon 183 of the TCF3 protein (p.Ser183Leu). This variant is present in population databases (rs374988827, gnomAD 0.03%). This variant has not been reported in the literature in individuals affected with TCF3-related conditions. ClinVar contains an entry for this variant (Variation ID: 2142298). Experimental studies and prediction algorithms are not available or were not evaluated, and the functional significance of this variant is currently unknown. In summary, the available evidence is currently insufficient to determine the role of this variant in disease. Therefore, it has been classified as a Variant of Uncertain Significance.

Ambry Genetics
Classification: Uncertain significance for Inborn genetic diseases. Last evaluated: 2025-09-05. Review status: criteria provided, single submitter. Criteria: Ambry Variant Classification Scheme 2023. Collection method: clinical testing. Allele origin: germline.

PreventionGenetics, part of Exact Sciences
Classification: Uncertain significance for TCF3-related condition. Last evaluated: 2024-01-15. Review status: no assertion criteria provided. Collection method: clinical testing. Allele origin: germline. Not counted in ClinVar's aggregate classification.
Comment: The TCF3 c.548C>T variant is predicted to result in the amino acid substitution p.Ser183Leu. To our knowledge, this variant has not been reported in the literature. This variant is reported in 0.028% of alleles in individuals of African descent in gnomAD. At this time, the clinical significance of this variant is uncertain due to the absence of conclusive functional and genetic evidence.